The following is an entry in ClinVar:

ClinVar aggregate classification (germline): Uncertain significance (1 of 4 stars; one submission).

Conditions:
Diets-Jongmans syndrome. Also called: INTELLECTUAL DEVELOPMENTAL DISORDER WITH DISTINCTIVE FACIAL DYSMORPHISM. Identifiers: MedGen C5394263, MONDO:0030012, OMIM 618846.

gnomAD v4.1: 1 of 1,614,104 alleles (0.000062%); highest among the groups gnomAD compares: Non-Finnish European, 0.000085%; no homozygotes.

Submission:

Clinical Genomics Laboratory, Washington University in St. Louis
Classification: Uncertain significance for Diets-Jongmans syndrome. Last evaluated: 2023-08-29. Review status: criteria provided, single submitter. Criteria: ACMG Guidelines, 2015. Collection method: clinical testing. Allele origin: germline.
Comment: The KDM3B c.1736C>T (p.Thr579Ile) variant, to our knowledge, has not been reported in the medical literature and is only observed on 1/251,200 alleles in the general population (gnomAD v.2.1.1), indicating it is not a common variant. This variant occurs in a region without a known functional domain and with frequent gnomAD missense variation (mutscore) and computational predictors suggest that the variant does not impact KDM3B function. Due to limited information, and based on ACMG/AMP guidelines for variant interpretation (Richards S et al., PMID: 25741868), the clinical significance of this variant is uncertain at this time.

NM_016604.4(KDM3B):c.1736C>T (p.Thr579Ile)

Gene: KDM3B (lysine demethylase 3B; plus strand). Cytogenetic location: 5q31.2.
Variant type: single nucleotide variant.
Coding change: c.1736C>T on transcript NM_016604.4 (MANE Select); coding-DNA position 1736, C replaced by T.
Protein change: p.Thr579Ile; replaces threonine 579 with isoleucine.
Molecular consequence: missense variant.
Genome position (GRCh38, 1-based): chr5:138,391,368, C>T. VCF-style: chr5-138391368-C-T. GRCh37 (hg19) VCF-style: chr5-137727057-C-T.
Other names: short protein forms T579I.
Identifiers: ClinVar variation 3602572 (VCV003602572.1).